The following is an entry in ClinVar:

NM_001386393.1(PANK2):c.1309A>G (p.Lys437Glu)

Gene: PANK2 (pantothenate kinase 2; plus strand). Cytogenetic location: 20p13.
Variant type: single nucleotide variant.
Coding change: c.1309A>G on transcript NM_001386393.1 (MANE Select); coding-DNA position 1309, A replaced by G.
Protein change: p.Lys437Glu; replaces lysine 437 with glutamic acid.
Molecular consequence: missense variant. On other transcripts: non-coding transcript variant (1).
Genome position (GRCh38, 1-based): chr20:3,918,773, A>G. VCF-style: chr20-3918773-A-G. GRCh37 (hg19) VCF-style: chr20-3899420-A-G.
Other names: c.766A>G, p.Lys256Glu (NM_001324191.2, NM_024960.6, NM_153640.4); c.331A>G, p.Lys111Glu (NM_001324193.2); c.1639A>G, p.Lys547Glu (NM_153638.4); short protein forms K111E, K256E, K437E, K547E.
Identifiers: ClinVar variation 1339054 (VCV001339054.2), dbSNP rs2146893030, ClinGen allele CA408120725.

ClinVar aggregate classification (germline): Uncertain significance (1 of 4 stars; one submission).

Conditions:
Pigmentary pallidal degeneration (NBIA1). Also called: Neuroaxonal dystrophy, late infantile; Hallervorden-Spatz disease; Neurodegeneration with brain iron accumulation 1; PKAN NEUROAXONAL DYSTROPHY, JUVENILE-ONSET; HARP SYNDROME; Pantothenate Kinase-Associated Neurodegeneration. Identifiers: Orphanet 157850, MedGen C0018523, MONDO:0009319, OMIM 234200.

Submission:

Neuberg Centre For Genomic Medicine, NCGM
Classification: Uncertain significance for Pigmentary pallidal degeneration. Review status: criteria provided, single submitter. Criteria: ACMG Guidelines, 2015. Collection method: clinical testing. Allele origin: germline. Affected: yes.
Comment: The missense variant p.K547E in PANK2 (NM_153638.4) has not been reported previously as a pathogenic variant nor as a benign variant, to our knowledge. The p.K547E variant is novel (not in any individuals) in gnomAD Exomes and is novel (not in any individuals) in 1000 Genomes. The p.K547E missense variant is predicted to be damaging by both SIFT and PolyPhen2. The lysine residue at codon 547 of PANK2 is conserved in all mammalian species. The nucleotide c.1639 in PANK2 is predicted conserved by GERP++ and PhyloP across 100 vertebrates. For these reasons, this variant has been classified as Uncertain Significance.